The following is an entry in ClinVar:

ClinVar aggregate classification (germline): Likely benign. Review status: criteria provided, multiple submitters, no conflicts (2 of 4 stars). 2 submissions from 2 submitters: Likely benign (2). Last evaluated 2026-08-01.

Allele frequency attached by ClinVar (database versions not stated): gnomAD 0.00001; 1000 Genomes Project 30x 0.00031; TOPMed below 0.00001; 1000 Genomes Project 0.00040.
gnomAD v4.1: 40 of 1,609,108 alleles (0.0025%); highest among the groups gnomAD compares: South Asian, 0.017%; no homozygotes.

Submissions (2):

CeGaT Center for Human Genetics Tuebingen
Classification: Likely benign. Last evaluated: 2026-08-01. Review status: criteria provided, single submitter. Criteria: CeGaT Center For Human Genetics Tuebingen Variant Classification Criteria Version 2. Collection method: clinical testing. Allele origin: germline. Affected: yes. Observed: 1 variant allele.
Comment: XPR1: BP4, BP7

Labcorp Genetics (formerly Invitae), Labcorp
Classification: Likely benign. Last evaluated: 2025-02-27. Review status: criteria provided, single submitter. Criteria: Invitae Variant Classification Sherloc (09022015). Collection method: clinical testing. Allele origin: germline.

NM_004736.4(XPR1):c.969C>T (p.Leu323=)

Gene: XPR1 (xenotropic and polytropic retrovirus receptor 1; plus strand). Cytogenetic location: 1q25.3.
Variant type: single nucleotide variant.
Coding change: c.969C>T on transcript NM_004736.4 (MANE Select); coding-DNA position 969, C replaced by T.
Protein change: p.Leu323=; no amino-acid change (leucine 323 retained).
Molecular consequence: synonymous variant. On other transcripts: non-coding transcript variant (1).
Genome position (GRCh38, 1-based): chr1:180,825,179, C>T. VCF-style: chr1-180825179-C-T. GRCh37 (hg19) VCF-style: chr1-180794315-C-T.
Other names: c.969C>T, p.Leu323= (NM_001135669.2, NM_001328662.2).
Identifiers: ClinVar variation 1900199 (VCV001900199.6), dbSNP rs531488499, ClinGen allele CA1272664.